The following is an entry in ClinVar:

ClinVar aggregate classification (germline): Likely benign. Review status: criteria provided, multiple submitters, no conflicts (2 of 4 stars). 2 submissions from 2 submitters: Likely benign (2). Last evaluated 2025-12-09.

Conditions:
KMT2D-related disorder. Also called: KMT2D-Related Disorders.
Kabuki syndrome. Also called: Kabuki make-up syndrome; NIIKAWA-KUROKI SYNDROME. Identifiers: Orphanet 2322, MedGen C0796004, MONDO:0016512.

Allele frequency attached by ClinVar (database versions not stated): ExAC 0.00002; gnomAD exomes 0.00002 and 0.00003.
gnomAD v4.1: 36 of 1,613,956 alleles (0.0022%); highest among the groups gnomAD compares: Non-Finnish European, 0.003%; no homozygotes.

Submissions (2):

Labcorp Genetics (formerly Invitae), Labcorp
Classification: Likely benign for Kabuki syndrome. Last evaluated: 2025-12-09. Review status: criteria provided, single submitter. Criteria: Invitae Variant Classification Sherloc (09022015). Collection method: clinical testing. Allele origin: germline.

PreventionGenetics, part of Exact Sciences
Classification: Likely benign for KMT2D-related condition. Last evaluated: 2024-12-10. Review status: criteria provided, single submitter. Criteria: ACMG Guidelines, 2015. Collection method: clinical testing. Allele origin: germline.
Comment: This variant is classified as likely benign based on ACMG/AMP sequence variant interpretation guidelines (Richards et al. 2015 PMID: 25741868, with internal and published modifications).

NM_003482.4(KMT2D):c.44C>T (p.Pro15Leu)

Gene: KMT2D (lysine methyltransferase 2D; minus strand). Cytogenetic location: 12q13.12.
Variant type: single nucleotide variant.
Coding change: c.44C>T on transcript NM_003482.4 (MANE Select); coding-DNA position 44, C replaced by T.
Protein change: p.Pro15Leu; replaces proline 15 with leucine.
Molecular consequence: missense variant.
Genome position (GRCh38, 1-based): chr12:49,055,281, G>A on the plus strand (C>T on the coding strand, the complement: KMT2D is on the minus strand). VCF-style: chr12-49055281-G-A. GRCh37 (hg19) VCF-style: chr12-49449064-G-A.
Other names: c.44C>T (NM_003482.3); short protein forms P15L.
Identifiers: ClinVar variation 1482624 (VCV001482624.7), dbSNP rs756336640, ClinGen allele CA6548818.